The following is an entry in ClinVar:

NM_000540.3(RYR1):c.12563G>A (p.Arg4188His)

Gene: RYR1 (ryanodine receptor 1; plus strand). Cytogenetic location: 19q13.2.
Variant type: single nucleotide variant.
Coding change: c.12563G>A on transcript NM_000540.3 (MANE Select); coding-DNA position 12563, G replaced by A.
Protein change: p.Arg4188His; replaces arginine 4188 with histidine.
Molecular consequence: missense variant.
Genome position (GRCh38, 1-based): chr19:38,561,393, G>A. VCF-style: chr19-38561393-G-A. GRCh37 (hg19) VCF-style: chr19-39052033-G-A.
Other names: c.12548G>A, p.Arg4183His (NM_001042723.2); short protein forms R4188H, R4183H.
Identifiers: ClinVar variation 2063479 (VCV002063479.8), dbSNP rs749890987, ClinGen allele CA059108.
Genomic context (GRCh38, chr19:38,561,393, plus strand): 5'-GCATCCTTGAGTACTTCCGCCCCTACCTGGGCCGCATCGAGATCATGGGCGCGTCACGCC[G>A]CATCGAGCGCATCTACTTCGAGATCTCAGAGACCAACCGCGCCCAGTGGGAGATGCCCCA-3'
Protein context (NP_000531.2, residues 4178-4198): GRIEIMGASR[Arg4188His]IERIYFEISE

ClinVar aggregate classification (germline): Uncertain significance. Review status: criteria provided, multiple submitters, no conflicts (2 of 4 stars). 4 submissions from 4 submitters: Uncertain significance (4). Last evaluated 2025-04-20.

Conditions:
Inborn genetic diseases. Identifiers: MedGen C0950123, MeSH D030342.
RYR1-related disorder. Also called: RYR1-related condition; RYR1-related disorders. Identifiers: MedGen CN239331.
Malignant hyperthermia, susceptibility to, 1 (MHS1). Also called: RYR1-Related Malignant Hyperthermia Susceptibility; Malignant hyperthermia suceptibility 1; Anesthesia related hyperthermia; Malignant hyperpyrexia; Fulminating hyperpyrexia; Pharmacogenic myopathy. Identifiers: Orphanet 423, MedGen C2930980, MONDO:0007783, OMIM 145600.

Allele frequency attached by ClinVar (database versions not stated): ExAC 0.00001; TOPMed 0.00004.
gnomAD v4.1: 7 of 1,612,830 alleles (0.00043%); highest among the groups gnomAD compares: Admixed American, 0.0083%; no homozygotes.

Submissions (4):

Labcorp Genetics (formerly Invitae), Labcorp
Classification: Uncertain significance for RYR1-related disorder. Last evaluated: 2025-04-20. Review status: criteria provided, single submitter. Criteria: Invitae Variant Classification Sherloc (09022015). Collection method: clinical testing. Allele origin: germline.
Comment: This sequence change replaces arginine, which is basic and polar, with histidine, which is basic and polar, at codon 4188 of the RYR1 protein (p.Arg4188His). The frequency data for this variant in the population databases is considered unreliable, as metrics indicate poor data quality at this position in the gnomAD database. This missense change has been observed in individual(s) with clinical features of autosomal dominant RYR1-related conditions (PMID: 36833224). ClinVar contains an entry for this variant (Variation ID: 2063479). Invitae Evidence Modeling of protein sequence and biophysical properties (such as structural, functional, and spatial information, amino acid conservation, physicochemical variation, residue mobility, and thermodynamic stability) indicates that this missense variant is expected to disrupt RYR1 protein function with a positive predictive value of 80%. In summary, the available evidence is currently insufficient to determine the role of this variant in disease. Therefore, it has been classified as a Variant of Uncertain Significance.

Women's Health and Genetics/Laboratory Corporation of America, LabCorp
Classification: Uncertain significance. Last evaluated: 2025-04-07. Review status: criteria provided, single submitter. Criteria: LabCorp Variant Classification Summary - May 2015. Collection method: clinical testing. Allele origin: germline.
Comment: Variant summary: RYR1 c.12563G>A (p.Arg4188His) results in a non-conservative amino acid change in the encoded protein sequence. Four of four in-silico tools predict a damaging effect of the variant on protein function. The variant allele was found at a frequency of 1.2e-05 in 248968 control chromosomes (gnomAD). The available data on variant occurrences in the general population are insufficient to allow any conclusion about variant significance. c.12563G>A has been reported in the literature in at least an individual affected with clinical features of RYR1-related conditions (Dosi_2023). This report however, does not provide unequivocal conclusions about association of the variant with congenital multicore myopathy with external ophthalmoplegia. To our knowledge, no experimental evidence demonstrating an impact on protein function has been reported. The following publication has been ascertained in the context of this evaluation (PMID: 36833224). ClinVar contains an entry for this variant (Variation ID: 2063479). Based on the evidence outlined above, the variant was classified as uncertain significance.

Ambry Genetics
Classification: Uncertain significance for Inborn genetic diseases. Last evaluated: 2024-05-24. Review status: criteria provided, single submitter. Criteria: Ambry Variant Classification Scheme 2023. Collection method: clinical testing. Allele origin: germline.

Color Diagnostics, LLC DBA Color Health
Classification: Uncertain significance for Malignant hyperthermia, susceptibility to, 1. Last evaluated: 2023-11-08. Review status: criteria provided, single submitter. Criteria: ACMG Guidelines, 2015. Collection method: clinical testing. Allele origin: germline.
Comment: This missense variant replaces arginine with histidine at codon 4188 of the RYR1 protein. Computational prediction suggests that this variant may have deleterious impact on protein structure and function. To our knowledge, functional studies have not been reported for this variant. This variant has not been reported in individuals affected with RYR1-related disorders in the literature. This variant has been identified in 3/248968 chromosomes in the general population by the Genome Aggregation Database (gnomAD). The available evidence is insufficient to determine the role of this variant in disease conclusively. Therefore, this variant is classified as a Variant of Uncertain Significance.

Literature cited by the submitters: PubMed 36833224 (cited by Labcorp Genetics (formerly Invitae), Labcorp and Women's Health and Genetics/Laboratory Corporation of America, LabCorp).